The following is an entry in ClinVar:

NM_182920.2(ADAMTS9):c.4093G>A (p.Asp1365Asn)

Gene: ADAMTS9 (ADAM metallopeptidase with thrombospondin type 1 motif 9; minus strand). Cytogenetic location: 3p14.1.
Variant type: single nucleotide variant.
Coding change: c.4093G>A on transcript NM_182920.2 (MANE Select); coding-DNA position 4093, G replaced by A.
Protein change: p.Asp1365Asn; replaces aspartic acid 1365 with asparagine.
Molecular consequence: missense variant.
Genome position (GRCh38, 1-based): chr3:64,596,916, C>T on the plus strand (G>A on the coding strand, the complement: ADAMTS9 is on the minus strand). VCF-style: chr3-64596916-C-T. GRCh37 (hg19) VCF-style: chr3-64582592-C-T.
Other names: c.4009G>A, p.Asp1337Asn (NM_001318781.2); short protein forms D1337N, D1365N.
Identifiers: ClinVar variation 3831464 (VCV003831464.2).

ClinVar aggregate classification (germline): Uncertain significance. Review status: criteria provided, multiple submitters, no conflicts (2 of 4 stars). 2 submissions from 2 submitters: Uncertain significance (2). Last evaluated 2025-03-05.

gnomAD v4.1: 346 of 1,613,966 alleles (0.021%); highest among the groups gnomAD compares: Non-Finnish European, 0.027%; 1 homozygote.

Submissions (2):

Labcorp Genetics (formerly Invitae), Labcorp
Classification: Uncertain significance. Last evaluated: 2025-03-05. Review status: criteria provided, single submitter. Criteria: Invitae Variant Classification Sherloc (09022015). Collection method: clinical testing. Allele origin: germline.
Comment: This sequence change replaces aspartic acid, which is acidic and polar, with asparagine, which is neutral and polar, at codon 1365 of the ADAMTS9 protein (p.Asp1365Asn). This variant is present in population databases (rs146893754, gnomAD 0.02%). This variant has not been reported in the literature in individuals affected with ADAMTS9-related conditions. An algorithm developed to predict the effect of missense changes on protein structure and function (PolyPhen-2) suggests that this variant is likely to be tolerated. In summary, the available evidence is currently insufficient to determine the role of this variant in disease. Therefore, it has been classified as a Variant of Uncertain Significance.

Ambry Genetics
Classification: Uncertain significance. Last evaluated: 2025-02-08. Review status: criteria provided, single submitter. Criteria: Ambry Variant Classification Scheme 2023. Collection method: clinical testing. Allele origin: germline.